The following is an entry in ClinVar:

NC_000002.11:g.(?_220283185)_(220290712_?)del

Gene: DES (desmin; plus strand). Cytogenetic location: 2q35.
Variant type: Deletion.
Identifiers: ClinVar variation 2424322 (VCV002424322.4).

ClinVar aggregate classification (germline): Pathogenic (1 of 4 stars; one submission).

Conditions:
Desmin-related myofibrillar myopathy (MFM1). Also called: MYOFIBRILLAR MYOPATHY WITH ARRHYTHMOGENIC RIGHT VENTRICULAR CARDIOMYOPATHY; DESMIN-RELATED MYOPATHY WITH ARRHYTHMOGENIC RIGHT VENTRICULAR CARDIOMYOPATHY; Myofibrillar myopathy 1; Desminopathy; Desmin related myopathy (former name); Desmin storage myopathy (former name). Identifiers: Orphanet 363543, Orphanet 98909, MedGen C1832370, MONDO:0011076, OMIM 601419.

Submission:

Labcorp Genetics (formerly Invitae), Labcorp
Classification: Pathogenic for Desmin-related myofibrillar myopathy. Last evaluated: 2022-09-30. Review status: criteria provided, single submitter. Criteria: Invitae Variant Classification Sherloc (09022015). Collection method: clinical testing. Allele origin: germline.
Comment: A gross deletion of the genomic region encompassing the full coding sequence of the DES gene has been identified. Loss-of-function variants in DES are known to be pathogenic (PMID: 23575897). The boundaries of this event are unknown as they extend beyond the assayed region for this gene and therefore may encompass additional genes. This variant has not been reported in the literature in individuals affected with DES-related conditions. For these reasons, this variant has been classified as Pathogenic.

Literature cited by the submitters: PubMed 23575897.